The following is an entry in ClinVar:

ClinVar aggregate classification (germline): Benign (1 of 4 stars; one submission).

Allele frequency attached by ClinVar (database versions not stated): gnomAD 0.29128 and 0.29177; TOPMed 0.30522; 1000 Genomes Project 0.39397; 1000 Genomes Project 30x 0.39850.
gnomAD v4.1: 44,057 of 151,956 alleles (29%); highest among the groups gnomAD compares: African/African-American, 64%; 10,255 homozygotes.

Submission:

GeneDx
Classification: Benign. Last evaluated: 2018-06-16. Review status: criteria provided, single submitter. Criteria: GeneDx Variant Classification (06012015). Collection method: clinical testing. Allele origin: germline. Affected: yes.
Comment: This variant is considered likely benign or benign based on one or more of the following criteria: it is a conservative change, it occurs at a poorly conserved position in the protein, it is predicted to be benign by multiple in silico algorithms, and/or has population frequency not consistent with disease.

NM_006846.4(SPINK5):c.1480-241C>T

Gene: SPINK5 (serine peptidase inhibitor Kazal type 5; plus strand). Cytogenetic location: 5q32.
Variant type: single nucleotide variant.
Coding change: c.1480-241C>T on transcript NM_006846.4 (MANE Select); 241 bases into the intron before coding-DNA position 1480, C replaced by T.
Molecular consequence: intron variant.
Genome position (GRCh38, 1-based): chr5:148,106,796, C>T. VCF-style: chr5-148106796-C-T. GRCh37 (hg19) VCF-style: chr5-147486359-C-T.
Other names: c.1480-241C>T (NM_001127698.2, NM_001127699.2).
Identifiers: ClinVar variation 677118 (VCV000677118.1), dbSNP rs1422987, ClinGen allele CA12066310.